The following is an entry in ClinVar:

NM_004482.4(GALNT3):c.695T>A (p.Leu232Ter)

Gene: GALNT3 (polypeptide N-acetylgalactosaminyltransferase 3; minus strand). Cytogenetic location: 2q24.3.
Variant type: single nucleotide variant.
Coding change: c.695T>A on transcript NM_004482.4 (MANE Select); coding-DNA position 695, T replaced by A.
Protein change: p.Leu232Ter; replaces leucine 232 with a stop codon.
Molecular consequence: nonsense.
Genome position (GRCh38, 1-based): chr2:165,762,048, A>T on the plus strand (T>A on the coding strand, the complement: GALNT3 is on the minus strand). VCF-style: chr2-165762048-A-T. GRCh37 (hg19) VCF-style: chr2-166618558-A-T.
Other names: short protein forms L232*.
Identifiers: ClinVar variation 2705779 (VCV002705779.3), dbSNP rs2467875895, ClinGen allele CA349040475.

ClinVar aggregate classification (germline): Pathogenic (1 of 4 stars; one submission).

Submission:

Labcorp Genetics (formerly Invitae), Labcorp
Classification: Pathogenic. Last evaluated: 2024-02-08. Review status: criteria provided, single submitter. Criteria: Invitae Variant Classification Sherloc (09022015). Collection method: clinical testing. Allele origin: germline.
Comment: This sequence change creates a premature translational stop signal (p.Leu232*) in the GALNT3 gene. It is expected to result in an absent or disrupted protein product. Loss-of-function variants in GALNT3 are known to be pathogenic (PMID: 15133511, 20358599). This variant is not present in population databases (gnomAD no frequency). This variant has not been reported in the literature in individuals affected with GALNT3-related conditions. For these reasons, this variant has been classified as Pathogenic.

Literature cited by the submitters: PubMed 15133511; PubMed 20358599.